The following is an entry in ClinVar:

NM_000361.3(THBD):c.180G>A (p.Met60Ile)

Gene: THBD (thrombomodulin; minus strand). Cytogenetic location: 20p11.21.
Variant type: single nucleotide variant.
Coding change: c.180G>A on transcript NM_000361.3 (MANE Select); coding-DNA position 180, G replaced by A.
Protein change: p.Met60Ile; replaces methionine 60 with isoleucine.
Molecular consequence: missense variant.
Genome position (GRCh38, 1-based): chr20:23,049,325, C>T on the plus strand (G>A on the coding strand, the complement: THBD is on the minus strand). VCF-style: chr20-23049325-C-T. GRCh37 (hg19) VCF-style: chr20-23029962-C-T.
Other names: short protein forms M60I.
Identifiers: ClinVar variation 1501535 (VCV001501535.10), dbSNP rs2122673111, ClinGen allele CA408408216.

ClinVar aggregate classification (germline): Uncertain significance. Review status: criteria provided, multiple submitters, no conflicts (2 of 4 stars). 3 submissions from 3 submitters: Uncertain significance (3). Last evaluated 2025-09-22.

Conditions:
Thrombomodulin-related bleeding disorder (THPH12). Also called: Thrombophilia due to thrombomodulin defect. Identifiers: Orphanet 436169, MedGen C3280976, MONDO:0013775, OMIM 614486.
Atypical hemolytic-uremic syndrome with thrombomodulin anomaly. Also called: HEMOLYTIC UREMIC SYNDROME, ATYPICAL, SUSCEPTIBILITY TO, 6; AHUS, SUSCEPTIBILITY TO, 6. Identifiers: MedGen C2752036, MONDO:0013044, OMIM 612926. Disease mechanism: gain of function.

Allele frequency attached by ClinVar (database versions not stated): gnomAD exomes below 0.00001.

Submissions (3):

Genomenon, Inc
Classification: Uncertain significance for Thrombomodulin-related bleeding disorder. Last evaluated: 2025-09-22. Review status: criteria provided, single submitter. Criteria: Genomenon Sequence Variant Interpretation Standards - Updated. Collection method: curation. Allele origin: germline. Affected: no.
Comment: THBD p.Met60Ile (c.180G>A) is a missense variant that changes the amino acid at residue 60 from Methionine to Isoleucine. This variant has been reported in the published literature (PMID:15842356). It is absent or not present at a significant frequency in gnomAD. In silico models agree that this variant is not damaging. In conclusion, we classify THBD p.Met60Ile (c.180G>A) as a variant of unknown significance.

Labcorp Genetics (formerly Invitae), Labcorp
Classification: Uncertain significance. Last evaluated: 2024-06-25. Review status: criteria provided, single submitter. Criteria: Invitae Variant Classification Sherloc (09022015). Collection method: clinical testing. Allele origin: germline.
Comment: This sequence change replaces methionine, which is neutral and non-polar, with isoleucine, which is neutral and non-polar, at codon 60 of the THBD protein (p.Met60Ile). This variant is not present in population databases (gnomAD no frequency). This variant has not been reported in the literature in individuals affected with THBD-related conditions. ClinVar contains an entry for this variant (Variation ID: 1501535). Advanced modeling of protein sequence and biophysical properties (such as structural, functional, and spatial information, amino acid conservation, physicochemical variation, residue mobility, and thermodynamic stability) performed at Invitae indicates that this missense variant is expected to disrupt THBD protein function with a positive predictive value of 80%. In summary, the available evidence is currently insufficient to determine the role of this variant in disease. Therefore, it has been classified as a Variant of Uncertain Significance.

Fulgent Genetics
Classification: Uncertain significance for Atypical hemolytic-uremic syndrome with thrombomodulin anomaly; Thrombomodulin-related bleeding disorder. Last evaluated: 2022-04-15. Review status: criteria provided, single submitter. Criteria: ACMG Guidelines, 2015. Collection method: clinical testing. Allele origin: unknown.

Literature cited by the submitters: PubMed 15842356 (cited by Genomenon, Inc).